The following is an entry in ClinVar:

ClinVar aggregate classification (germline): Uncertain significance (1 of 4 stars; one submission).

Conditions:
Atrioventricular septal defect 5 (AVSD5). Identifiers: MedGen C3280939, MONDO:0013769, OMIM 614474.

Submission:

Labcorp Genetics (formerly Invitae), Labcorp
Classification: Uncertain significance for Atrioventricular septal defect 5. Last evaluated: 2024-10-29. Review status: criteria provided, single submitter. Criteria: Invitae Variant Classification Sherloc (09022015). Collection method: clinical testing. Allele origin: germline.
Comment: This sequence change replaces glycine, which is neutral and non-polar, with arginine, which is basic and polar, at codon 342 of the GATA6 protein (p.Gly342Arg). This variant is present in population databases (no rsID available, gnomAD 0.02%). This variant has not been reported in the literature in individuals affected with GATA6-related conditions. Invitae Evidence Modeling of protein sequence and biophysical properties (such as structural, functional, and spatial information, amino acid conservation, physicochemical variation, residue mobility, and thermodynamic stability) indicates that this missense variant is not expected to disrupt GATA6 protein function with a negative predictive value of 80%. In summary, the available evidence is currently insufficient to determine the role of this variant in disease. Therefore, it has been classified as a Variant of Uncertain Significance.

NM_005257.6(GATA6):c.1024G>A (p.Gly342Arg)

Gene: GATA6 (GATA binding protein 6; plus strand). Cytogenetic location: 18q11.2.
Variant type: single nucleotide variant.
Coding change: c.1024G>A on transcript NM_005257.6 (MANE Select); coding-DNA position 1024, G replaced by A.
Protein change: p.Gly342Arg; replaces glycine 342 with arginine.
Molecular consequence: missense variant.
Genome position (GRCh38, 1-based): chr18:22,172,168, G>A. VCF-style: chr18-22172168-G-A. GRCh37 (hg19) VCF-style: chr18-19752129-G-A.
Other names: short protein forms G342R.
Identifiers: ClinVar variation 3668161 (VCV003668161.2).